The following is an entry in ClinVar:

NM_007294.4(BRCA1):c.548-1G>C

Gene: BRCA1 (BRCA1 DNA repair associated; minus strand). Cytogenetic location: 17q21.31.
Variant type: single nucleotide variant.
Coding change: c.548-1G>C on transcript NM_007294.4 (MANE Select); the canonical splice acceptor site of the intron before coding-DNA position 548, G replaced by C.
Molecular consequence: splice acceptor variant. On other transcripts: intron variant (115).
Genome position (GRCh38, 1-based): chr17:43,097,290, C>G on the plus strand (G>C on the coding strand, the complement: BRCA1 is on the minus strand). VCF-style: chr17-43097290-C-G. GRCh37 (hg19) VCF-style: chr17-41249307-C-G.
Other names: c.548-1G>C (NM_001408472.1, NM_001407990.1, NM_007299.4 and 58 more transcripts); c.338-1G>C (NM_001408492.1, NM_001407889.1, NM_001408513.1 and 27 more transcripts); c.404-1G>C (NM_001408468.1, NM_001407842.1, NM_001407749.1 and 26 more transcripts); c.407-2430G>C (NM_001408501.1, NM_001408500.1, NM_001407921.1 and 15 more transcripts); c.407-1G>C (NM_001408455.1, NM_001407731.1, NM_001407695.1 and 43 more transcripts); c.404-2430G>C (NM_001408503.1, NM_001407934.1, NM_001408505.1 and 5 more transcripts); c.-218-2430G>C (NM_001407966.1, NM_001407967.1); c.167-1G>C (NM_001407963.1, NM_001407960.1, NM_001407959.1 and 1 more transcripts); and 17 more.
Identifiers: ClinVar variation 1747807 (VCV001747807.2), dbSNP rs2154521767, ClinGen allele CA10601032.

ClinVar aggregate classification (germline): Uncertain significance (1 of 4 stars; one submission).

Conditions:
Hereditary cancer-predisposing syndrome. Also called: Hereditary Cancer Syndrome; Hereditary neoplastic syndrome; Neoplastic Syndromes, Hereditary; Tumor predisposition. Identifiers: Orphanet 140162, MedGen C0027672, MeSH D009386, MONDO:0015356.

Submission:

Ambry Genetics
Classification: Uncertain significance for Hereditary cancer-predisposing syndrome. Last evaluated: 2020-12-28. Review status: criteria provided, single submitter. Criteria: Ambry Variant Classification Scheme 2023. Collection method: clinical testing. Allele origin: germline.
Comment: The c.548-1G>C intronic variant results from a G to C substitution one nucleotide upstream from coding exon 7 of the BRCA1 gene. Alterations that disrupt the canonical splice site are expected to cause aberrant splicing resulting in an abnormal protein or a transcript that is subject to nonsense-mediated mRNA decay; however, this alteration occurs at a splice junction that is located at a naturally occurring, alternatively spliced exon and, thus, the degree and effects of abnormal splicing from this alteration cannot be predicted (Colombo M et al. Hum Mol Genet. 2014; 23:3666-80). This nucleotide position is highly conserved in available vertebrate species. In silico splice site analysis predicts that this alteration will weaken the native splice acceptor site. Since supporting evidence is limited at this time, the clinical significance of this alteration remains unclear.